The following is an entry in ClinVar:

NM_000061.3(BTK):c.872C>A (p.Ala291Asp)

Gene: BTK (Bruton tyrosine kinase; minus strand). Cytogenetic location: Xq22.1.
Variant type: single nucleotide variant.
Coding change: c.872C>A on transcript NM_000061.3 (MANE Select); coding-DNA position 872, C replaced by A.
Protein change: p.Ala291Asp; replaces alanine 291 with aspartic acid.
Molecular consequence: missense variant.
Genome position (GRCh38, 1-based): chrX:101,359,315, G>T on the plus strand (C>A on the coding strand, the complement: BTK is on the minus strand). VCF-style: chrX-101359315-G-T. GRCh37 (hg19) VCF-style: chrX-100614303-G-T.
Other names: c.974C>A, p.Ala325Asp (NM_001287344.2); c.872C>A, p.Ala291Asp (NM_001287345.2); short protein forms A291D, A325D.
Identifiers: ClinVar variation 1720518 (VCV001720518.6), dbSNP rs2520579276, ClinGen allele CA413929990.
Genomic context (GRCh38, chrX:101,359,315, plus strand): 5'-GCAAGGAGAATGCTGTGTGCTAGTGGTTCCACACTTACCTCTTGCTTTAGCAGTTGCTCA[G>T]CCTGACTCCGAGTCATGTGTTTGGAATACCACCTGTGAAGGGAGAGTGCTGCTTGAGTGG-3'
Protein context (NP_000052.1, residues 281-301): WYSKHMTRSQ[Ala291Asp]EQLLKQEGKE

ClinVar aggregate classification (germline): Uncertain significance (1 of 4 stars; one submission).

Conditions:
X-linked agammaglobulinemia with growth hormone deficiency (IGHD3). Also called: AGAMMAGLOBULINEMIA AND ISOLATED GROWTH HORMONE DEFICIENCY, X-LINKED; FLEISHER SYNDROME; HYPOGAMMAGLOBULINEMIA AND ISOLATED GROWTH HORMONE DEFICIENCY, X-LINKED; IGHD III; Isolated growth hormone deficiency type 3; Growth hormone deficiency with hypogammaglobulinemia. Identifiers: Orphanet 231692, Orphanet 631, MedGen C0472813, MONDO:0010615, OMIM 307200.

Submission:

Labcorp Genetics (formerly Invitae), Labcorp
Classification: Uncertain significance for X-linked agammaglobulinemia with growth hormone deficiency. Last evaluated: 2024-04-15. Review status: criteria provided, single submitter. Criteria: Invitae Variant Classification Sherloc (09022015). Collection method: clinical testing. Allele origin: germline.
Comment: This sequence change replaces alanine, which is neutral and non-polar, with aspartic acid, which is acidic and polar, at codon 291 of the BTK protein (p.Ala291Asp). This variant is not present in population databases (gnomAD no frequency). This variant has not been reported in the literature in individuals affected with BTK-related conditions. ClinVar contains an entry for this variant (Variation ID: 1720518). Advanced modeling of protein sequence and biophysical properties (such as structural, functional, and spatial information, amino acid conservation, physicochemical variation, residue mobility, and thermodynamic stability) performed at Invitae indicates that this missense variant is expected to disrupt BTK protein function with a positive predictive value of 80%. In summary, the available evidence is currently insufficient to determine the role of this variant in disease. Therefore, it has been classified as a Variant of Uncertain Significance.